The following is an entry in ClinVar:

NM_004082.5(DCTN1):c.1684A>T (p.Thr562Ser)

Gene: DCTN1 (dynactin subunit 1; minus strand). Cytogenetic location: 2p13.1.
Variant type: single nucleotide variant.
Coding change: c.1684A>T on transcript NM_004082.5 (MANE Select); coding-DNA position 1684, A replaced by T.
Protein change: p.Thr562Ser; replaces threonine 562 with serine.
Molecular consequence: missense variant. On other transcripts: non-coding transcript variant (1).
Genome position (GRCh38, 1-based): chr2:74,369,115, T>A on the plus strand (A>T on the coding strand, the complement: DCTN1 is on the minus strand). VCF-style: chr2-74369115-T-A. GRCh37 (hg19) VCF-style: chr2-74596242-T-A.
Other names: c.1624A>T, p.Thr542Ser (NM_001135040.3); c.1282A>T, p.Thr428Ser (NM_001135041.3, NM_023019.4); c.1573A>T, p.Thr525Ser (NM_001190836.2); c.1663A>T, p.Thr555Ser (NM_001190837.2); c.1633A>T, p.Thr545Ser (NM_001378991.1); c.1615A>T, p.Thr539Ser (NM_001378992.1); short protein forms T542S, T545S, T562S, T428S, T525S, T539S, T555S.
Identifiers: ClinVar variation 2930868 (VCV002930868.3), dbSNP rs1187126591, ClinGen allele CA347356685.

ClinVar aggregate classification (germline): Uncertain significance (1 of 4 stars; one submission).

Conditions:
Amyotrophic lateral sclerosis type 1 (ALS1). Also called: AMYOTROPHIC LATERAL SCLEROSIS 1, FAMILIAL. Identifiers: Orphanet 803, MedGen C1862939, MONDO:0007103, OMIM 105400.
Neuronopathy, distal hereditary motor, type 7B. Also called: NEURONOPATHY, DISTAL HEREDITARY MOTOR, AUTOSOMAL DOMINANT 14; NEURONOPATHY, DISTAL HEREDITARY MOTOR, HARDING TYPE VIIB; NEUROPATHY, DISTAL HEREDITARY MOTOR, HARDING TYPE VIIB; NEUROPATHY, DISTAL HEREDITARY MOTOR, WITH VOCAL CORD PARALYSIS, HARDING TYPE VIIB; Distal Hereditary Motor Neuronopathy Type 7B (dHMN7B); HMN VIIB. Identifiers: Orphanet 139589, MedGen C1843315, MONDO:0011879, OMIM 607641.
Perry syndrome. Also called: PARKINSONISM WITH ALVEOLAR HYPOVENTILATION AND MENTAL DEPRESSION. Identifiers: Orphanet 178509, MedGen C1868594, MONDO:0008201, OMIM 168605.

Allele frequency attached by ClinVar (database versions not stated): gnomAD 0.00002.
gnomAD v4.1: 3 of 1,614,120 alleles (0.00019%); highest among the groups gnomAD compares: African/African-American, 0.004%; 1 homozygote.

Submission:

Labcorp Genetics (formerly Invitae), Labcorp
Classification: Uncertain significance for Amyotrophic lateral sclerosis type 1; Neuronopathy, distal hereditary motor, type 7B; Perry syndrome. Last evaluated: 2023-09-10. Review status: criteria provided, single submitter. Criteria: Invitae Variant Classification Sherloc (09022015). Collection method: clinical testing. Allele origin: germline.
Comment: This variant is present in population databases (no rsID available, gnomAD 0.01%). This sequence change replaces threonine, which is neutral and polar, with serine, which is neutral and polar, at codon 562 of the DCTN1 protein (p.Thr562Ser). This variant has not been reported in the literature in individuals affected with DCTN1-related conditions. Advanced modeling of protein sequence and biophysical properties (such as structural, functional, and spatial information, amino acid conservation, physicochemical variation, residue mobility, and thermodynamic stability) performed at Invitae indicates that this missense variant is not expected to disrupt DCTN1 protein function. In summary, the available evidence is currently insufficient to determine the role of this variant in disease. Therefore, it has been classified as a Variant of Uncertain Significance.